The following is an entry in ClinVar:

NM_000155.4(GALT):c.634C>T (p.Gln212Ter)

Gene: GALT (galactose-1-phosphate uridylyltransferase; plus strand). Cytogenetic location: 9p13.3.
Variant type: single nucleotide variant.
Coding change: c.634C>T on transcript NM_000155.4 (MANE Select); coding-DNA position 634, C replaced by T.
Protein change: p.Gln212Ter; replaces glutamine 212 with a stop codon.
Molecular consequence: nonsense.
Genome position (GRCh38, 1-based): chr9:34,648,403, C>T. VCF-style: chr9-34648403-C-T. GRCh37 (hg19) VCF-style: chr9-34648400-C-T.
Other names: c.307C>T, p.Gln103Ter (NM_001258332.2); short protein forms Q212*, Q103*.
Identifiers: ClinVar variation 25234 (VCV000025234.20), dbSNP rs111033746, ClinGen allele CA259460.
Genomic context (GRCh38, chr9:34,648,403, plus strand): 5'-AGCAGTTTCCTGCCAGATATTGCCCAGCGTGAGGAGCGATCTCAGCAGGCCTATAAGAGT[C>T]AGCATGGAGAGCCCCTGCTAATGGAGTACAGCCGCCAGGAGCTACTCAGGAAGGTGGGAG-3'

ClinVar aggregate classification (germline): Pathogenic. Review status: criteria provided, multiple submitters, no conflicts (2 of 4 stars). 7 submissions from 7 submitters: Pathogenic (6). 1 of the submissions does not count toward it. Last evaluated 2025-12-13.

Conditions:
Galactosemia. Also called: Galactose intolerance. Identifiers: Orphanet 352, MedGen C0016952, MONDO:0018116, HP:0004919. Disease mechanism: loss of function.
Deficiency of UDPglucose-hexose-1-phosphate uridylyltransferase. Also called: GALACTOSE-1-PHOSPHATE URIDYLYLTRANSFERASE DEFICIENCY; GALT deficiency; Galactosemia, classic; Transferase Deficiency Galactosemia; GALACTOSEMIA I. Identifiers: Orphanet 352, Orphanet 79239, MedGen C0268151, MONDO:0009258, OMIM 230400.

Allele frequency attached by ClinVar (database versions not stated): gnomAD exomes below 0.00001.
gnomAD v4.1: 3 of 1,614,192 alleles (0.00019%); highest among the groups gnomAD compares: Non-Finnish European, 0.00025%; no homozygotes.

Submissions (7):

Labcorp Genetics (formerly Invitae), Labcorp
Classification: Pathogenic for Deficiency of UDPglucose-hexose-1-phosphate uridylyltransferase. Last evaluated: 2025-12-13. Review status: criteria provided, single submitter. Criteria: Invitae Variant Classification Sherloc (09022015). Collection method: clinical testing. Allele origin: germline.
Comment: This sequence change creates a premature translational stop signal (p.Gln212*) in the GALT gene. It is expected to result in an absent or disrupted protein product. Loss-of-function variants in GALT are known to be pathogenic (PMID: 22944367). This variant is not present in population databases (gnomAD no frequency). This premature translational stop signal has been observed in individual(s) with galactosemia (PMID: 8522334). ClinVar contains an entry for this variant (Variation ID: 25234). Algorithms developed to predict the effect of sequence changes on RNA splicing suggest that this variant may disrupt the consensus splice site. For these reasons, this variant has been classified as Pathogenic.

Natera, Inc.
Classification: Pathogenic for Galactosemia. Last evaluated: 2025-02-12. Review status: criteria provided, single submitter. Criteria: Natera Variant Classification Schema (03/2026). Collection method: clinical testing. Allele origin: germline.
Comment: The c.634C>T variant in GALT is a nonsense variant predicted to introduce a stop codon at amino acid 212. This variant is expected to result in nonsense mediated decay, truncation, or a dysfunctional protein product. This variant is rare in the general population with a frequency below the threshold expected for the associated phenotype(s). This variant has been observed in one or more individuals affected with the associated recessive disease, as either homozygous or compound heterozygous with a second variant (PMID: 30172461, 10384398, 8522334, 35118398). Given the available evidence, this variant is classified as Pathogenic.

Baylor Genetics
Classification: Pathogenic for Deficiency of UDPglucose-hexose-1-phosphate uridylyltransferase. Last evaluated: 2024-03-20. Review status: criteria provided, single submitter. Criteria: ACMG Guidelines, 2015. Collection method: clinical testing. Allele origin: unknown.

Mayo Clinic Laboratories, Mayo Clinic
Classification: Pathogenic. Last evaluated: 2023-08-15. Review status: criteria provided, single submitter. Criteria: ACMG Guidelines, 2015. Collection method: clinical testing. Allele origin: germline.
Comment: PP4, PM2_moderate, PM3, PVS1

Women's Health and Genetics/Laboratory Corporation of America, LabCorp
Classification: Pathogenic for Deficiency of UDPglucose-hexose-1-phosphate uridylyltransferase. Last evaluated: 2022-12-23. Review status: criteria provided, single submitter. Criteria: LabCorp Variant Classification Summary - May 2015. Collection method: clinical testing. Allele origin: germline.
Comment: Variant summary: GALT c.634C>T (p.Gln212X) results in a premature termination codon, predicted to cause a truncation of the encoded protein or absence of the protein due to nonsense mediated decay, which are commonly known mechanisms for disease. The variant allele was found at a frequency of 4e-06 in 251472 control chromosomes (gnomAD). c.634C>T has been reported in the literature in compound heterozygous state in multiple individuals affected with Galactosemia (e.g. Gathof_1995, Yuzyuk_2018), where the complete lack of enzyme activity was noted in patient derived red blood cells. One clinical diagnostic laboratory has submitted clinical-significance assessments for this variant to ClinVar after 2014 without evidence for independent evaluation, and classified the variant as pathogenic. Based on the evidence outlined above, the variant was classified as pathogenic.

Eurofins Ntd Llc (ga)
Classification: Pathogenic. Last evaluated: 2012-11-19. Review status: criteria provided, single submitter. Criteria: EGL Classification Definitions 2015. Collection method: clinical testing. Allele origin: germline. Observed: 1 variant allele, 1 heterozygote.

Counsyl
Classification: Likely pathogenic for Deficiency of UDPglucose-hexose-1-phosphate uridylyltransferase. Last evaluated: 2014-12-18. Review status: no assertion criteria provided. Collection method: literature only. Allele origin: unknown. Inheritance: Autosomal recessive inheritance. Not counted in ClinVar's aggregate classification.

Literature cited by the submitters: PubMed 22944367 (cited by Labcorp Genetics (formerly Invitae), Labcorp); PubMed 8522334 (cited by 5 submitters); PubMed 30172461 (cited by 3 submitters); PubMed 10384398 (cited by Natera, Inc.); PubMed 35118398 (cited by Natera, Inc.); PubMed 9222760 (cited by Mayo Clinic Laboratories, Mayo Clinic and Counsyl); PubMed 15633893 (cited by Women's Health and Genetics/Laboratory Corporation of America, LabCorp); PubMed 17876724 (cited by Women's Health and Genetics/Laboratory Corporation of America, LabCorp and Counsyl).